The following is an entry in ClinVar:

ClinVar aggregate classification (germline): Uncertain significance. Review status: criteria provided, multiple submitters, no conflicts (2 of 4 stars). 2 submissions from 2 submitters: Uncertain significance (2). Last evaluated 2025-07-29.

Conditions:
Hereditary cancer-predisposing syndrome. Also called: Neoplastic Syndromes, Hereditary; Hereditary neoplastic syndrome; Hereditary Cancer Syndrome; Tumor predisposition. Identifiers: Orphanet 140162, MedGen C0027672, MeSH D009386, MONDO:0015356.
POLD1-related polyposis and colorectal cancer syndrome (CRCS10). Also called: Colorectal cancer, susceptibility to, 10; Colorectal cancer 10; COLORECTAL CANCER, SUSCEPTIBILITY TO, ON CHROMOSOME 19q. Identifiers: Orphanet 220460, MedGen C2675481, MONDO:0012953, OMIM 612591.

Submissions (2):

Ambry Genetics
Classification: Uncertain significance for Hereditary cancer-predisposing syndrome. Last evaluated: 2025-07-29. Review status: criteria provided, single submitter. Criteria: Ambry Variant Classification Scheme 2023. Collection method: clinical testing. Allele origin: germline.
Comment: The p.L192R variant (also known as c.575T>G), located in coding exon 4 of the POLD1 gene, results from a T to G substitution at nucleotide position 575. The leucine at codon 192 is replaced by arginine, an amino acid with dissimilar properties. This amino acid position is conserved. In addition, this alteration is predicted to be tolerated by in silico analysis. Based on the available evidence, the clinical significance of this variant remains unclear.

Labcorp Genetics (formerly Invitae), Labcorp
Classification: Uncertain significance for POLD1-related polyposis and colorectal cancer syndrome. Last evaluated: 2022-07-12. Review status: criteria provided, single submitter. Criteria: Invitae Variant Classification Sherloc (09022015). Collection method: clinical testing. Allele origin: germline.
Comment: In summary, the available evidence is currently insufficient to determine the role of this variant in disease. Therefore, it has been classified as a Variant of Uncertain Significance. Algorithms developed to predict the effect of missense changes on protein structure and function are either unavailable or do not agree on the potential impact of this missense change (SIFT: "Deleterious"; PolyPhen-2: "Possibly Damaging"; Align-GVGD: "Class C0"). ClinVar contains an entry for this variant (Variation ID: 408085). This variant has not been reported in the literature in individuals affected with POLD1-related conditions. This variant is not present in population databases (gnomAD no frequency). This sequence change replaces leucine, which is neutral and non-polar, with arginine, which is basic and polar, at codon 192 of the POLD1 protein (p.Leu192Arg).

NM_002691.4(POLD1):c.575T>G (p.Leu192Arg)

Gene: POLD1 (DNA polymerase delta 1, catalytic subunit; plus strand). Cytogenetic location: 19q13.33.
Variant type: single nucleotide variant.
Coding change: c.575T>G on transcript NM_002691.4 (MANE Select); coding-DNA position 575, T replaced by G.
Protein change: p.Leu192Arg; replaces leucine 192 with arginine.
Molecular consequence: missense variant. On other transcripts: non-coding transcript variant (1).
Genome position (GRCh38, 1-based): chr19:50,402,110, T>G. VCF-style: chr19-50402110-T-G. GRCh37 (hg19) VCF-style: chr19-50905367-T-G.
Other names: c.575T>G (NM_002691.2); c.575T>G, p.Leu192Arg (NM_001256849.1, NM_001308632.1); short protein forms L192R.
Identifiers: ClinVar variation 408085 (VCV000408085.9), dbSNP rs772804822, ClinGen allele CA16616335.